The following is an entry in ClinVar:

ClinVar aggregate classification (germline): Conflicting classifications of pathogenicity. Review status: criteria provided, conflicting classifications (1 of 4 stars). 3 submissions from 3 submitters: Uncertain significance (2); Likely benign (1). Last evaluated 2024-02-14.

Conditions:
Hereditary cancer-predisposing syndrome. Also called: Hereditary neoplastic syndrome; Neoplastic Syndromes, Hereditary; Tumor predisposition; Hereditary Cancer Syndrome. Identifiers: Orphanet 140162, MedGen C0027672, MeSH D009386, MONDO:0015356.
Fanconi anemia complementation group O. Also called: RAD51C-Related Fanconi Anemia. Identifiers: Orphanet 84, MedGen C3150653, MONDO:0013248, OMIM 613390.

Allele frequency attached by ClinVar (database versions not stated): gnomAD exomes 0.00001.
gnomAD v4.1: 5 of 1,614,070 alleles (0.00031%); highest among the groups gnomAD compares: Non-Finnish European, 0.00042%; no homozygotes.

Submissions (3):

Quest Diagnostics Nichols Institute San Juan Capistrano
Classification: Uncertain significance. Last evaluated: 2024-02-14. Review status: criteria provided, single submitter. Criteria: Quest Diagnostics criteria. Collection method: clinical testing. Allele origin: unknown.
Comment: The RAD51C c.246C>G (p.His82Gln) variant has not been reported in the germline of individuals with RAD51C-related conditions in the published literature. It also has not been reported in large, multi-ethnic general populations (Genome Aggregation Database). Analysis of this variant using bioinformatics tools for the prediction of the effect of amino acid changes on protein structure and function yielded predictions that this variant is benign. Based on the available information, we are unable to determine the clinical significance of this variant.

Ambry Genetics
Classification: Likely benign for Hereditary cancer-predisposing syndrome. Last evaluated: 2024-02-13. Review status: criteria provided, single submitter. Criteria: Ambry Variant Classification Scheme 2023. Collection method: clinical testing. Allele origin: germline.

Labcorp Genetics (formerly Invitae), Labcorp
Classification: Uncertain significance for Fanconi anemia complementation group O. Last evaluated: 2024-01-11. Review status: criteria provided, single submitter. Criteria: Invitae Variant Classification Sherloc (09022015). Collection method: clinical testing. Allele origin: germline.
Comment: This sequence change replaces histidine, which is basic and polar, with glutamine, which is neutral and polar, at codon 82 of the RAD51C protein (p.His82Gln). This variant is not present in population databases (gnomAD no frequency). This variant has not been reported in the literature in individuals affected with RAD51C-related conditions. ClinVar contains an entry for this variant (Variation ID: 484739). Advanced modeling of protein sequence and biophysical properties (such as structural, functional, and spatial information, amino acid conservation, physicochemical variation, residue mobility, and thermodynamic stability) performed at Invitae indicates that this missense variant is not expected to disrupt RAD51C protein function with a negative predictive value of 80%. In summary, the available evidence is currently insufficient to determine the role of this variant in disease. Therefore, it has been classified as a Variant of Uncertain Significance.

Literature cited by the submitters: PubMed 33042626 (cited by Quest Diagnostics Nichols Institute San Juan Capistrano); PubMed 38153744 (cited by Quest Diagnostics Nichols Institute San Juan Capistrano).

NM_058216.3(RAD51C):c.246C>G (p.His82Gln)

Gene: RAD51C (RAD51 paralog C; plus strand). Cytogenetic location: 17q22.
Variant type: single nucleotide variant.
Coding change: c.246C>G on transcript NM_058216.3 (MANE Select); coding-DNA position 246, C replaced by G.
Protein change: p.His82Gln; replaces histidine 82 with glutamine.
Molecular consequence: missense variant. On other transcripts: non-coding transcript variant (2).
Genome position (GRCh38, 1-based): chr17:58,695,031, C>G. VCF-style: chr17-58695031-C-G. GRCh37 (hg19) VCF-style: chr17-56772392-C-G.
Other names: c.246C>G, p.His82Gln (NM_002876.4); c.246C>G (NM_058216.2); short protein forms H82Q.
Identifiers: ClinVar variation 484739 (VCV000484739.14), dbSNP rs1555593602, ClinGen allele CA400340355.